The following is an entry in ClinVar:

NM_183381.3(RNF13):c.501-17T>G

Gene: RNF13 (ring finger protein 13; plus strand). Cytogenetic location: 3q25.1.
Variant type: single nucleotide variant.
Coding change: c.501-17T>G on transcript NM_183381.3 (MANE Select); 17 bases into the intron before coding-DNA position 501, T replaced by G.
Molecular consequence: intron variant.
Genome position (GRCh38, 1-based): chr3:149,911,961, T>G. VCF-style: chr3-149911961-T-G. GRCh37 (hg19) VCF-style: chr3-149629748-T-G.
Other names: c.501-17T>G (NM_007282.4, NM_001378286.1, NM_001378285.1); c.144-17T>G (NM_183383.2, NM_001378288.1, NM_001378289.1 and 2 more transcripts); c.108-17T>G (NM_001378291.1).
Identifiers: ClinVar variation 1908307 (VCV001908307.5), dbSNP rs1219611161, ClinGen allele CA547162935.

ClinVar aggregate classification (germline): Uncertain significance (1 of 4 stars; one submission).

Allele frequency attached by ClinVar (database versions not stated): gnomAD exomes below 0.00001; TOPMed below 0.00001.
gnomAD v4.1: 1 of 1,266,938 alleles (0.000079%); highest among the groups gnomAD compares: Admixed American, 0.0018%; no homozygotes.

Submission:

Labcorp Genetics (formerly Invitae), Labcorp
Classification: Uncertain significance. Last evaluated: 2022-04-12. Review status: criteria provided, single submitter. Criteria: Invitae Variant Classification Sherloc (09022015). Collection method: clinical testing. Allele origin: germline.
Comment: This sequence change falls in intron 7 of the RNF13 gene. It does not directly change the encoded amino acid sequence of the RNF13 protein. This variant has not been reported in the literature in individuals affected with RNF13-related conditions. This variant is present in population databases (no rsID available, gnomAD 0.003%). Algorithms developed to predict the effect of sequence changes on RNA splicing suggest that this variant may disrupt the consensus splice site. In summary, the available evidence is currently insufficient to determine the role of this variant in disease. Therefore, it has been classified as a Variant of Uncertain Significance.